The following is an entry in ClinVar:

NM_000138.5(FBN1):c.4942+14G>A

Gene: FBN1 (fibrillin 1; minus strand). Cytogenetic location: 15q21.1.
Variant type: single nucleotide variant.
Coding change: c.4942+14G>A on transcript NM_000138.5 (MANE Select); 14 bases into the intron after coding-DNA position 4942, G replaced by A.
Molecular consequence: intron variant.
Genome position (GRCh38, 1-based): chr15:48,465,554, C>T on the plus strand (G>A on the coding strand, the complement: FBN1 is on the minus strand). VCF-style: chr15-48465554-C-T. GRCh37 (hg19) VCF-style: chr15-48757751-C-T.
Identifiers: ClinVar variation 2145449 (VCV002145449.4), dbSNP rs760195178, ClinGen allele CA054006.

ClinVar aggregate classification (germline): Uncertain significance (1 of 4 stars; one submission).

Conditions:
Familial thoracic aortic aneurysm and aortic dissection (TAAD). Also called: Thoracic aortic aneurysms and dissections. Identifiers: Orphanet 91387, MedGen C4707243, MONDO:0019625.
Marfan syndrome (MFS). Also called: MARFAN SYNDROME, TYPE I; Marfan syndrome type 1; Marfan's syndrome; Marfan syndrome, classic; FBN1-Related Marfan Syndrome. Identifiers: Orphanet 284963, Orphanet 558, MedGen C0024796, MONDO:0007947, OMIM 154700.

Allele frequency attached by ClinVar (database versions not stated): TOPMed below 0.00001; ExAC 0.00001; gnomAD exomes below 0.00001.
gnomAD v4.1: 1 of 1,613,854 alleles (0.000062%); highest among the groups gnomAD compares: South Asian, 0.0011%; no homozygotes.

Submission:

Labcorp Genetics (formerly Invitae), Labcorp
Classification: Uncertain significance for Marfan syndrome; Familial thoracic aortic aneurysm and aortic dissection. Last evaluated: 2022-07-22. Review status: criteria provided, single submitter. Criteria: Invitae Variant Classification Sherloc (09022015). Collection method: clinical testing. Allele origin: germline.
Comment: This sequence change falls in intron 40 of the FBN1 gene. It does not directly change the encoded amino acid sequence of the FBN1 protein. This variant is present in population databases (rs760195178, gnomAD 0.003%). This variant has been observed in individual(s) with Marfan syndrome (Invitae). Algorithms developed to predict the effect of sequence changes on RNA splicing suggest that this variant may disrupt the consensus splice site. In summary, the available evidence is currently insufficient to determine the role of this variant in disease. Therefore, it has been classified as a Variant of Uncertain Significance.